The following is an entry in ClinVar:

ClinVar aggregate classification (germline): Conflicting classifications of pathogenicity. Review status: criteria provided, conflicting classifications (1 of 4 stars). 2 submissions from 2 submitters: Uncertain significance (1); Likely benign (1). Last evaluated 2024-04-05.

Conditions:
Ataxia-telangiectasia syndrome (AT). Also called: ATAXIA-TELANGIECTASIA, COMPLEMENTATION GROUP A; ATAXIA-TELANGIECTASIA, FRESNO VARIANT; Ataxia-telangiectasia; Ataxia-telangiectasia, complementation group E; Cerebello-oculocutaneous telangiectasia; Immunodeficiency with ataxia telangiectasia. Identifiers: Orphanet 100, MedGen C0004135, MONDO:0008840, OMIM 208900.

Allele frequency attached by ClinVar (database versions not stated): gnomAD exomes below 0.00001; ExAC 0.00001; TOPMed 0.00004.
gnomAD v4.1: 3 of 1,612,904 alleles (0.00019%); highest among the groups gnomAD compares: African/African-American, 0.0027%; no homozygotes.

Submissions (2):

Labcorp Genetics (formerly Invitae), Labcorp
Classification: Likely benign for Ataxia-telangiectasia syndrome. Last evaluated: 2024-04-05. Review status: criteria provided, single submitter. Criteria: Invitae Variant Classification Sherloc (09022015). Collection method: clinical testing. Allele origin: germline.

GeneDx
Classification: Uncertain significance. Last evaluated: 2023-02-08. Review status: criteria provided, single submitter. Criteria: GeneDx Variant Classification Process June 2021. Collection method: clinical testing. Allele origin: germline. Affected: yes.
Comment: Not observed at significant frequency in large population cohorts (gnomAD); In silico analysis is inconclusive as to whether the variant alters gene splicing. In the absence of RNA/functional studies, the actual effect of this sequence change is unknown.; Has not been previously published as pathogenic or benign to our knowledge

NM_000051.4(ATM):c.7630-7C>A

Genes: ATM (ATM serine/threonine kinase; plus strand), C11orf65 (chromosome 11 open reading frame 65; minus strand). Cytogenetic location: 11q22.3.
Variant type: single nucleotide variant.
Coding change: c.7630-7C>A on transcript NM_000051.4 (MANE Select); 7 bases into the intron before coding-DNA position 7630, C replaced by A.
Molecular consequence: intron variant.
Genome position (GRCh38, 1-based): chr11:108,331,872, C>A. VCF-style: chr11-108331872-C-A. GRCh37 (hg19) VCF-style: chr11-108202599-C-A.
Other names: c.7630-7C>A (NM_001351834.2); c.641-22801G>T (NM_001330368.2); c.*38+3348G>T (NM_001351110.2).
Identifiers: ClinVar variation 181840 (VCV000181840.47), dbSNP rs730881276, ClinGen allele CA297969.